The following is an entry in ClinVar:

NM_017671.5(FERMT1):c.*1365C>A

Gene: FERMT1 (FERM domain containing kindlin 1; minus strand). Cytogenetic location: 20p12.3.
Variant type: single nucleotide variant.
Coding change: c.*1365C>A on transcript NM_017671.5 (MANE Select); 1365 bases downstream of the stop codon, C replaced by A.
Molecular consequence: 3 prime UTR variant.
Genome position (GRCh38, 1-based): chr20:6,075,808, G>T on the plus strand (C>A on the coding strand, the complement: FERMT1 is on the minus strand). VCF-style: chr20-6075808-G-T. GRCh37 (hg19) VCF-style: chr20-6056455-G-T.
Identifiers: ClinVar variation 339184 (VCV000339184.5), dbSNP rs550060762, ClinGen allele CA10653337.

ClinVar aggregate classification (germline): Likely benign (1 of 4 stars; one submission).

Conditions:
Kindler syndrome (KNDLRS). Also called: BULLOUS ACROKERATOTIC POIKILODERMA OF KINDLER AND WEARY; POIKILODERMA, CONGENITAL, WITH BULLAE, WEARY TYPE; POIKILODERMA, HEREDITARY ACROKERATOTIC; Hereditary acrokeratotic poikiloderma of Weary; Poikiloderma of Kindler; Congenital bullous poikiloderma. Identifiers: Orphanet 2908, Orphanet 306539, MedGen C0406557, MONDO:0008260, OMIM 173650.

Allele frequency attached by ClinVar (database versions not stated): TOPMed 0.00006; gnomAD 0.00011 and 0.00014; 1000 Genomes Project 30x 0.00047; 1000 Genomes Project 0.00060.

Submission:

Illumina Laboratory Services, Illumina
Classification: Likely benign for Kindler syndrome. Last evaluated: 2018-01-13. Review status: criteria provided, single submitter. Criteria: ICSL Variant Classification Criteria 13 December 2019. Collection method: clinical testing. Allele origin: germline.
Comment: This variant was observed in the ICSL laboratory as part of a predisposition screen in an ostensibly healthy population. It had not been previously curated by ICSL or reported in the Human Gene Mutation Database (HGMD: prior to June 1st, 2018), and was therefore a candidate for classification through an automated scoring system. Utilizing variant allele frequency, disease prevalence and penetrance estimates, and inheritance mode, an automated score was calculated to assess if this variant is too frequent to cause the disease. Based on the score and internal cut-off values, a variant classified as likely benign is not then subjected to further curation. The score for this variant resulted in a classification of likely benign for this disease.